The following is an entry in ClinVar:

ClinVar aggregate classification (germline): Likely benign (1 of 4 stars; one submission).

Allele frequency attached by ClinVar (database versions not stated): TOPMed 0.00001 and below 0.00001; gnomAD 0.00001.
gnomAD v4.1: 1 of 1,613,670 alleles (0.000062%); highest among the groups gnomAD compares: Non-Finnish European, 0.000085%; no homozygotes.

Submission:

Laboratory for Molecular Medicine, Mass General Brigham Personalized Medicine
Classification: Likely benign. Last evaluated: 2015-12-24. Review status: criteria provided, single submitter. Criteria: LMM Criteria. Collection method: clinical testing. Allele origin: germline. Observed: 1 variant allele.
Comment: p.Gln268Gln variant in exon 6 of CCDC50: This variant is not expected to have cl inical significance because it does not alter an amino acid residue and is not l ocated within the splice consensus sequence.

NM_178335.3(CCDC50):c.804G>A (p.Gln268=)

Gene: CCDC50 (coiled-coil domain containing 50; plus strand). Cytogenetic location: 3q28.
Variant type: single nucleotide variant.
Coding change: c.804G>A on transcript NM_178335.3 (MANE Select); coding-DNA position 804, G replaced by A.
Protein change: p.Gln268=; no amino-acid change (glutamine 268 retained).
Molecular consequence: synonymous variant. On other transcripts: intron variant (1).
Genome position (GRCh38, 1-based): chr3:191,375,417, G>A. VCF-style: chr3-191375417-G-A. GRCh37 (hg19) VCF-style: chr3-191093206-G-A.
Other names: c.449-4742G>A (NM_174908.4).
Identifiers: ClinVar variation 227213 (VCV000227213.4), dbSNP rs876657435, ClinGen allele CA10576612.